The following is an entry in ClinVar:

ClinVar aggregate classification (germline): Likely benign (1 of 4 stars; one submission).

Submission:

GeneDx
Classification: Likely benign. Last evaluated: 2016-07-25. Review status: criteria provided, single submitter. Criteria: GeneDx Variant Classification (06012015). Collection method: clinical testing. Allele origin: germline. Affected: yes.
Comment: This variant is considered likely benign or benign based on one or more of the following criteria: it is a conservative change, it occurs at a poorly conserved position in the protein, it is predicted to be benign by multiple in silico algorithms, and/or has population frequency not consistent with disease.

NM_032340.4(UQCC2):c.372T>C (p.His124=)

Gene: UQCC2 (ubiquinol-cytochrome c reductase complex assembly factor 2; minus strand). Cytogenetic location: 6p21.31.
Variant type: single nucleotide variant.
Coding change: c.372T>C on transcript NM_032340.4 (MANE Select); coding-DNA position 372, T replaced by C.
Protein change: p.His124=; no amino-acid change (histidine 124 retained).
Molecular consequence: synonymous variant.
Genome position (GRCh38, 1-based): chr6:33,697,662, A>G on the plus strand (T>C on the coding strand, the complement: UQCC2 is on the minus strand). VCF-style: chr6-33697662-A-G. GRCh37 (hg19) VCF-style: chr6-33665439-A-G.
Identifiers: ClinVar variation 387257 (VCV000387257.1), dbSNP rs1057522744, ClinGen allele CA16605537.
Genomic context (GRCh38, chr6:33,697,662, plus strand): 5'-GCAATGTACAAGACTCCACACCTAGGTATGTGCACGAGGTAAGGCCTGAGCTCAGGCCTT[A>G]TGATCCTCCTCAGGACCCTTGGGGGCAAACTTCTCCTGCAGTTTCTTCCACATGCCTTTA-3'
Protein context (NP_115716.1, residues 114-126): KFAPKGPEED[His124=]KA